The following is an entry in ClinVar:

NC_000001.10:g.(?_26757796)_(26764723_?)del

Gene: DHDDS (dehydrodolichyl diphosphate synthase subunit; plus strand). Cytogenetic location: 1p36.11.
Variant type: Deletion.
Identifiers: ClinVar variation 2426903 (VCV002426903.4).

ClinVar aggregate classification (germline): Pathogenic (1 of 4 stars; one submission).

Conditions:
Retinitis pigmentosa 59 (RP59). Identifiers: Orphanet 791, MedGen C3151227, MONDO:0013468, OMIM 613861.

Submission:

Labcorp Genetics (formerly Invitae), Labcorp
Classification: Pathogenic for Retinitis pigmentosa 59. Last evaluated: 2022-08-05. Review status: criteria provided, single submitter. Criteria: Invitae Variant Classification Sherloc (09022015). Collection method: clinical testing. Allele origin: germline.
Comment: For these reasons, this variant has been classified as Pathogenic. This variant has not been reported in the literature in individuals affected with DHDDS-related conditions. This variant results in the deletion of exons 1-2 and part of exon 3 (c.-1122_133del) of the DHDDS gene. It is expected to result in an absent or disrupted protein product. Loss-of-function variants in DHDDS are known to be pathogenic (PMID: 24664742).

Literature cited by the submitters: PubMed 24664742.